The following is an entry in ClinVar:

NM_020975.6(RET):c.174C>T (p.Asp58=)

Gene: RET (ret proto-oncogene; plus strand). Cytogenetic location: 10q11.21.
Variant type: single nucleotide variant.
Coding change: c.174C>T on transcript NM_020975.6 (MANE Select); coding-DNA position 174, C replaced by T.
Protein change: p.Asp58=; no amino-acid change (aspartic acid 58 retained).
Molecular consequence: synonymous variant. On other transcripts: intron variant (4).
Genome position (GRCh38, 1-based): chr10:43,100,559, C>T. VCF-style: chr10-43100559-C-T. GRCh37 (hg19) VCF-style: chr10-43596007-C-T.
Other names: c.174C>T, p.Asp58= (NM_001406768.1, NM_001406769.1, NM_001406770.1 and 34 more transcripts); c.74-8472C>T (NM_001406784.1); c.74-11540C>T (NM_001406794.1, NM_001406792.1, NM_001406793.1).
Identifiers: ClinVar variation 702979 (VCV000702979.15), dbSNP rs746943314, ClinGen allele CA035259.

ClinVar aggregate classification (germline): Likely benign. Review status: criteria provided, multiple submitters, no conflicts (2 of 4 stars). 4 submissions from 4 submitters: Likely benign (4). Last evaluated 2026-01-07.

Conditions:
Hereditary cancer-predisposing syndrome. Also called: Hereditary Cancer Syndrome; Tumor predisposition; Neoplastic Syndromes, Hereditary; Hereditary neoplastic syndrome. Identifiers: Orphanet 140162, MedGen C0027672, MeSH D009386, MONDO:0015356.
Multiple endocrine neoplasia, type 2 (MEN2). Identifiers: Orphanet 653, MedGen C4048306, MONDO:0019003. Disease mechanism: gain of function.

Allele frequency attached by ClinVar (database versions not stated): gnomAD exomes 0.00001; ExAC 0.00002.
gnomAD v4.1: 9 of 1,613,918 alleles (0.00056%); highest among the groups gnomAD compares: Admixed American, 0.0017%; no homozygotes.

Submissions (4):

Labcorp Genetics (formerly Invitae), Labcorp
Classification: Likely benign for Multiple endocrine neoplasia, type 2. Last evaluated: 2026-01-07. Review status: criteria provided, single submitter. Criteria: Invitae Variant Classification Sherloc (09022015). Collection method: clinical testing. Allele origin: germline.

All of Us Research Program, National Institutes of Health
Classification: Likely benign for Multiple endocrine neoplasia, type 2. Last evaluated: 2023-11-02. Review status: criteria provided, single submitter. Criteria: ACMG Guidelines, 2015. Collection method: clinical testing. Allele origin: germline. Inheritance: Autosomal dominant inheritance. Observed: 2 variant alleles, 2 heterozygotes.
Comment: This study involves interpretation of variants in research participants for the purpose of population health screening. Participant phenotype was not available at the time of variant classification. Additional details can be found in publication PMID: 35346344, PMCID: PMC8962531

Color Diagnostics, LLC DBA Color Health
Classification: Likely benign for Multiple endocrine neoplasia, type 2. Last evaluated: 2022-11-06. Review status: criteria provided, single submitter. Criteria: ACMG Guidelines, 2015. Collection method: clinical testing. Allele origin: germline.

Ambry Genetics
Classification: Likely benign for Hereditary cancer-predisposing syndrome. Last evaluated: 2018-08-26. Review status: criteria provided, single submitter. Criteria: Ambry Variant Classification Scheme 2023. Collection method: clinical testing. Allele origin: germline.